The following is an entry in ClinVar:

ClinVar aggregate classification (germline): Likely pathogenic. Review status: criteria provided, multiple submitters, no conflicts (2 of 4 stars). 2 submissions from 2 submitters: Likely pathogenic (2). Last evaluated 2025-09-18.

Conditions:
Hereditary diffuse gastric adenocarcinoma (HDGC). Also called: DIFFUSE GASTRIC AND LOBULAR BREAST CANCER SYNDROME. Identifiers: Orphanet 26106, MedGen C1708349, MONDO:0007648, OMIM 137215.

Submissions (5):

Labcorp Genetics (formerly Invitae), Labcorp
Classification: Likely pathogenic for Hereditary diffuse gastric adenocarcinoma. Last evaluated: 2025-09-18. Review status: criteria provided, single submitter. Criteria: Invitae Variant Classification Sherloc (09022015). Collection method: clinical testing. Allele origin: germline.
Comment: This sequence change affects a donor splice site in intron 12 of the CDH1 gene. It is expected to disrupt RNA splicing. Variants that disrupt the donor or acceptor splice site typically lead to a loss of protein function (PMID: 16199547), and loss-of-function variants in CDH1 are known to be pathogenic (PMID: 15235021, 20373070). This variant is not present in population databases (gnomAD no frequency). This variant has not been reported in the literature in individuals affected with CDH1-related conditions. ClinVar contains an entry for this variant (Variation ID: 1332881). Algorithms developed to predict the effect of sequence changes on RNA splicing suggest that this variant may disrupt the consensus splice site. In summary, the currently available evidence indicates that the variant is pathogenic, but additional data are needed to prove that conclusively. Therefore, this variant has been classified as Likely Pathogenic.

Myriad Genetics, Inc.
Classification: Likely pathogenic for Hereditary diffuse gastric adenocarcinoma. Last evaluated: 2023-06-14. Review status: criteria provided, single submitter. Criteria: Myriad Autosomal Dominant, Autosomal Recessive and X-Linked Classification Criteria (2023). Collection method: clinical testing. Allele origin: unknown.
Comment: This variant is considered likely pathogenic. This variant occurs within a consensus splice junction and is predicted to result in abnormal mRNA splicing of either an out-of-frame exon or an in-frame exon necessary for protein stability and/or normal function.

Dr. Peter K. Rogan Lab, Western University
No classification provided (evidence only). Condition: Familial cancer of breast. Review status: no classification provided. Collection method: in vitro. Allele origin: not applicable. Functional consequence: retained intron. Not counted in ClinVar's aggregate classification.

Dr. Peter K. Rogan Lab, Western University
No classification provided (evidence only). Condition: Hepatocellular carcinoma. Review status: no classification provided. Collection method: in vitro. Allele origin: not applicable. Functional consequence: retained intron. Not counted in ClinVar's aggregate classification.

MutSpliceDB: a database of splice sites variants effects on splicing, NIH
No classification provided (evidence only). Review status: no classification provided. Collection method: in vivo. Allele origin: not applicable. Functional consequence: retained intron. Not counted in ClinVar's aggregate classification.

Literature cited by the submitters: PubMed 16199547 (cited by Labcorp Genetics (formerly Invitae), Labcorp); PubMed 15235021 (cited by Labcorp Genetics (formerly Invitae), Labcorp); PubMed 20373070 (cited by Labcorp Genetics (formerly Invitae), Labcorp).

NM_004360.5(CDH1):c.1936+1G>A

Gene: CDH1 (cadherin 1; plus strand). Cytogenetic location: 16q22.1.
Variant type: single nucleotide variant.
Coding change: c.1936+1G>A on transcript NM_004360.5 (MANE Select); the canonical splice donor site of the intron after coding-DNA position 1936, G replaced by A.
Molecular consequence: splice donor variant.
Genome position (GRCh38, 1-based): chr16:68,822,226, G>A. VCF-style: chr16-68822226-G-A. GRCh37 (hg19) VCF-style: chr16-68856129-G-A.
Other names: NM_004360.5:c.1936+1G>A; c.388+1G>A (NM_001317185.2); c.-30+1G>A (NM_001317186.2); c.1753+1G>A (NM_001317184.2).
Identifiers: ClinVar variation 1332881 (VCV001332881.10), dbSNP rs2152138630, ClinGen allele CA396467289.